The following is an entry in ClinVar:

NM_177438.3(DICER1):c.3099G>C (p.Leu1033=)

Gene: DICER1 (dicer 1, ribonuclease III; minus strand). Cytogenetic location: 14q32.13.
Variant type: single nucleotide variant.
Coding change: c.3099G>C on transcript NM_177438.3 (MANE Select); coding-DNA position 3099, G replaced by C.
Protein change: p.Leu1033=; no amino-acid change (leucine 1033 retained).
Molecular consequence: synonymous variant.
Genome position (GRCh38, 1-based): chr14:95,105,241, C>G on the plus strand (G>C on the coding strand, the complement: DICER1 is on the minus strand). VCF-style: chr14-95105241-C-G. GRCh37 (hg19) VCF-style: chr14-95571578-C-G.
Other names: c.3099G>C, p.Leu1033= (NM_001195573.1, NM_001271282.3, NM_001291628.2 and 1 more transcripts).
Identifiers: ClinVar variation 477125 (VCV000477125.13), dbSNP rs768709390, ClinGen allele CA487627005.

ClinVar aggregate classification (germline): Benign/Likely benign. Review status: criteria provided, multiple submitters, no conflicts (2 of 4 stars). 3 submissions from 3 submitters: Benign (1); Likely benign (2). Last evaluated 2026-04-17.

Conditions:
DICER1-related tumor predisposition. Also called: DICER1-related pleuropulmonary blastoma cancer predisposition syndrome; DICER1 syndrome. Identifiers: Orphanet 284343, MedGen C3839822, MONDO:0100216.
Hereditary cancer-predisposing syndrome. Also called: Hereditary neoplastic syndrome; Neoplastic Syndromes, Hereditary; Hereditary Cancer Syndrome; Tumor predisposition. Identifiers: Orphanet 140162, MedGen C0027672, MeSH D009386, MONDO:0015356.

Submissions (3):

Myriad Genetics, Inc.
Classification: Benign for DICER1-related tumor predisposition. Last evaluated: 2026-04-17. Review status: criteria provided, single submitter. Criteria: Myriad Autosomal Dominant, Autosomal Recessive and X-Linked Classification Criteria (2023). Collection method: clinical testing. Allele origin: unknown.
Comment: This variant is considered benign. This variant is a silent/synonymous amino acid change and it is not expected to impact splicing.

Labcorp Genetics (formerly Invitae), Labcorp
Classification: Likely benign for DICER1-related tumor predisposition. Last evaluated: 2025-02-19. Review status: criteria provided, single submitter. Criteria: Invitae Variant Classification Sherloc (09022015). Collection method: clinical testing. Allele origin: germline.

Ambry Genetics
Classification: Likely benign for Hereditary cancer-predisposing syndrome. Last evaluated: 2021-01-29. Review status: criteria provided, single submitter. Criteria: Ambry Variant Classification Scheme 2023. Collection method: clinical testing. Allele origin: germline.